The following is an entry in ClinVar:

NM_001605.3(AARS1):c.2641C>T (p.His881Tyr)

Gene: AARS1 (alanyl-tRNA synthetase 1; minus strand). Cytogenetic location: 16q22.1.
Variant type: single nucleotide variant.
Coding change: c.2641C>T on transcript NM_001605.3 (MANE Select); coding-DNA position 2641, C replaced by T.
Protein change: p.His881Tyr; replaces histidine 881 with tyrosine.
Molecular consequence: missense variant.
Genome position (GRCh38, 1-based): chr16:70,253,348, G>A on the plus strand (C>T on the coding strand, the complement: AARS1 is on the minus strand). VCF-style: chr16-70253348-G-A. GRCh37 (hg19) VCF-style: chr16-70287251-G-A.
Other names: short protein forms H881Y.
Identifiers: ClinVar variation 2720803 (VCV002720803.3), dbSNP rs150144514, ClinGen allele CA396554761.

ClinVar aggregate classification (germline): Uncertain significance (1 of 4 stars; one submission).

Conditions:
Charcot-Marie-Tooth disease type 2. Also called: Charcot-Marie-Tooth type 2. Identifiers: Orphanet 64746, MedGen C0270914, MONDO:0018993.

gnomAD v4.1: 5 of 1,614,128 alleles (0.00031%); highest among the groups gnomAD compares: Non-Finnish European, 0.00025%; no homozygotes.

Submission:

Labcorp Genetics (formerly Invitae), Labcorp
Classification: Uncertain significance for Charcot-Marie-Tooth disease type 2. Last evaluated: 2023-01-27. Review status: criteria provided, single submitter. Criteria: Invitae Variant Classification Sherloc (09022015). Collection method: clinical testing. Allele origin: germline.
Comment: In summary, the available evidence is currently insufficient to determine the role of this variant in disease. Therefore, it has been classified as a Variant of Uncertain Significance. Advanced modeling of protein sequence and biophysical properties (such as structural, functional, and spatial information, amino acid conservation, physicochemical variation, residue mobility, and thermodynamic stability) performed at Invitae indicates that this missense variant is not expected to disrupt AARS protein function. This variant has not been reported in the literature in individuals affected with AARS-related conditions. This variant is not present in population databases (gnomAD no frequency). This sequence change replaces histidine, which is basic and polar, with tyrosine, which is neutral and polar, at codon 881 of the AARS protein (p.His881Tyr).